The following is an entry in ClinVar:

NM_001478.5(B4GALNT1):c.1438G>T (p.Val480Leu)

Gene: B4GALNT1 (beta-1,4-N-acetyl-galactosaminyltransferase 1; minus strand). Cytogenetic location: 12q13.3.
Variant type: single nucleotide variant.
Coding change: c.1438G>T on transcript NM_001478.5 (MANE Select); coding-DNA position 1438, G replaced by T.
Protein change: p.Val480Leu; replaces valine 480 with leucine.
Molecular consequence: missense variant.
Genome position (GRCh38, 1-based): chr12:57,626,908, C>A on the plus strand (G>T on the coding strand, the complement: B4GALNT1 is on the minus strand). VCF-style: chr12-57626908-C-A. GRCh37 (hg19) VCF-style: chr12-58020691-C-A.
Other names: c.1273G>T, p.Val425Leu (NM_001276468.2); short protein forms V425L, V480L.
Identifiers: ClinVar variation 955854 (VCV000955854.9), dbSNP rs747864083, ClinGen allele CA6655434.

ClinVar aggregate classification (germline): Uncertain significance (1 of 4 stars; one submission).

Conditions:
Spastic paraplegia. Identifiers: MedGen C0037772, HP:0001258.

Allele frequency attached by ClinVar (database versions not stated): TOPMed 0.00003.

Submission:

Labcorp Genetics (formerly Invitae), Labcorp
Classification: Uncertain significance for Spastic paraplegia. Last evaluated: 2019-08-21. Review status: criteria provided, single submitter. Criteria: Invitae Variant Classification Sherloc (09022015). Collection method: clinical testing. Allele origin: germline.
Comment: In summary, the available evidence is currently insufficient to determine the role of this variant in disease. Therefore, it has been classified as a Variant of Uncertain Significance. Algorithms developed to predict the effect of missense changes on protein structure and function output the following: SIFT: "Tolerated"; PolyPhen-2: "Benign"; Align-GVGD: "Class C0". The leucine amino acid residue is found in multiple mammalian species, suggesting that this missense change does not adversely affect protein function. These predictions have not been confirmed by published functional studies and their clinical significance is uncertain. This variant has not been reported in the literature in individuals with B4GALNT1-related disease. This variant is present in population databases (rs747864083, ExAC 0.002%). This sequence change replaces valine with leucine at codon 480 of the B4GALNT1 protein (p.Val480Leu). The valine residue is moderately conserved and there is a small physicochemical difference between valine and leucine.